The following is an entry in ClinVar:

ClinVar aggregate classification (germline): Uncertain significance (1 of 4 stars; one submission).

Conditions:
Arrhythmogenic right ventricular dysplasia 13. Also called: Arrhythmogenic right ventricular dysplasia, familial, 13; ARRHYTHMOGENIC RIGHT VENTRICULAR CARDIOMYOPATHY 13. Identifiers: MedGen C3810138, MONDO:0000908, OMIM 615616.

gnomAD v4.1: 1 of 1,614,164 alleles (0.000062%); highest among the groups gnomAD compares: Admixed American, 0.0017%; no homozygotes.

Submission:

Labcorp Genetics (formerly Invitae), Labcorp
Classification: Uncertain significance for Arrhythmogenic right ventricular dysplasia 13. Last evaluated: 2025-09-23. Review status: criteria provided, single submitter. Criteria: Invitae Variant Classification Sherloc (09022015). Collection method: clinical testing. Allele origin: germline.
Comment: This sequence change replaces isoleucine, which is neutral and non-polar, with threonine, which is neutral and polar, at codon 76 of the CTNNA3 protein (p.Ile76Thr). This variant is not present in population databases (gnomAD no frequency). This variant has not been reported in the literature in individuals affected with CTNNA3-related conditions. Invitae Evidence Modeling of protein sequence and biophysical properties (such as structural, functional, and spatial information, amino acid conservation, physicochemical variation, residue mobility, and thermodynamic stability) has been performed for this missense variant. However, the output from this modeling did not meet the statistical confidence thresholds required to predict the impact of this variant on CTNNA3 protein function. In summary, the available evidence is currently insufficient to determine the role of this variant in disease. Therefore, it has been classified as a Variant of Uncertain Significance.

NM_013266.4(CTNNA3):c.227T>C (p.Ile76Thr)

Gene: CTNNA3 (catenin alpha 3; minus strand). Cytogenetic location: 10q21.3.
Variant type: single nucleotide variant.
Coding change: c.227T>C on transcript NM_013266.4 (MANE Select); coding-DNA position 227, T replaced by C.
Protein change: p.Ile76Thr; replaces isoleucine 76 with threonine.
Molecular consequence: missense variant.
Genome position (GRCh38, 1-based): chr10:67,606,922, A>G on the plus strand (T>C on the coding strand, the complement: CTNNA3 is on the minus strand). VCF-style: chr10-67606922-A-G. GRCh37 (hg19) VCF-style: chr10-69366680-A-G.
Other names: c.227T>C, p.Ile76Thr (NM_001127384.3); c.263T>C, p.Ile88Thr (NM_001291133.2); short protein forms I76T, I88T.
Identifiers: ClinVar variation 4705127 (VCV004705127.1).